The following is an entry in ClinVar:

NM_016249.4(MAGEC2):c.357G>A (p.Gln119=)

Gene: MAGEC2 (MAGE family member C2; minus strand). Cytogenetic location: Xq27.2.
Variant type: single nucleotide variant.
Coding change: c.357G>A on transcript NM_016249.4 (MANE Select); coding-DNA position 357, G replaced by A.
Protein change: p.Gln119=; no amino-acid change (glutamine 119 retained).
Molecular consequence: synonymous variant.
Genome position (GRCh38, 1-based): chrX:142,203,631, C>T on the plus strand (G>A on the coding strand, the complement: MAGEC2 is on the minus strand). VCF-style: chrX-142203631-C-T. GRCh37 (hg19) VCF-style: chrX-141291417-C-T.
Identifiers: ClinVar variation 2661576 (VCV002661576.24), dbSNP rs371872304, ClinGen allele CA10534203.
Genomic context (GRCh38, chrX:142,203,631, plus strand): 5'-ATATGTGAAAGAGGACTCACTGTCTGGCAGGCCCTGACAGGTGCCTGTATCCTCCCCTTT[C>T]TGGCTGCTGGACTCCTCACTGAATGAGCTCCATGAAAAAGAGGAGCAGCAGGAGCTCAGA-3'
Protein context (NP_057333.1, residues 109-129): WSSFSEESSS[Gln119=]KGEDTGTCQG

ClinVar aggregate classification (germline): Likely benign (1 of 4 stars; one submission).

Allele frequency attached by ClinVar (database versions not stated): gnomAD 0.00005; TOPMed 0.00007; ESP Exome Variant Server 0.00019; gnomAD exomes below 0.00001; ExAC 0.00002.

Submission:

CeGaT Center for Human Genetics Tuebingen
Classification: Likely benign. Last evaluated: 2022-05-01. Review status: criteria provided, single submitter. Criteria: CeGaT Center For Human Genetics Tuebingen Variant Classification Criteria Version 2. Collection method: clinical testing. Allele origin: germline. Affected: yes. Observed: 2 variant alleles.
Comment: MAGEC2: BP4, BP7